The following is an entry in ClinVar:

ClinVar aggregate classification (germline): Uncertain significance (1 of 4 stars; one submission).

Conditions:
RASopathy. Also called: Noonan spectrum disorder; rasopathies. Identifiers: Orphanet 536391, MedGen C5555857, MONDO:0021060.

Submission:

Labcorp Genetics (formerly Invitae), Labcorp
Classification: Uncertain significance for RASopathy. Last evaluated: 2022-12-16. Review status: criteria provided, single submitter. Criteria: Invitae Variant Classification Sherloc (09022015). Collection method: clinical testing. Allele origin: germline.
Comment: This sequence change creates a premature translational stop signal (p.Gly254Profs*58) in the MAP2K2 gene. It is expected to result in an absent or disrupted protein product. However, the current clinical and genetic evidence is not sufficient to establish whether loss-of-function variants in MAP2K2 cause disease. This variant is not present in population databases (gnomAD no frequency). This variant has not been reported in the literature in individuals affected with MAP2K2-related conditions. In summary, the available evidence is currently insufficient to determine the role of this variant in disease. Therefore, it has been classified as a Variant of Uncertain Significance.

NM_030662.4(MAP2K2):c.760_761del (p.Gly254fs)

Gene: MAP2K2 (mitogen-activated protein kinase kinase 2; minus strand). Cytogenetic location: 19p13.3.
Variant type: Deletion.
Coding change: c.760_761del on transcript NM_030662.4 (MANE Select); coding-DNA positions 760 to 761, 2 bases deleted (GG; older notation c.760_761delGG).
Protein change: p.Gly254fs; shifts the reading frame from glycine 254.
Molecular consequence: frameshift variant.
Genome position (GRCh38, 1-based): chr19:4,099,359-4,099,360, CC deleted on the plus strand (GG on the coding strand, the reverse complement: MAP2K2 is on the minus strand); deleting any 2 consecutive bases within chr19:4,099,359-4,099,361 gives the same sequence; the c. name uses the placement nearest the transcript's 3' end. VCF-style (leftmost placement, unchanged base first): chr19-4099358-GCC-G. GRCh37 (hg19) VCF-style: chr19-4099356-GCC-G.
Other names: short protein forms G254fs.
Identifiers: ClinVar variation 2111349 (VCV002111349.4), dbSNP rs2512307643, ClinGen allele CA2580096988.